The following is an entry in ClinVar:

ClinVar aggregate classification (germline): Uncertain significance (1 of 4 stars; one submission).

Conditions:
Autosomal recessive severe congenital neutropenia due to CSF3R deficiency. Also called: Neutropenia, severe congenital, 7, autosomal recessive. Identifiers: Orphanet 420702, MedGen C4310764, MONDO:0014865, OMIM 617014.

Submission:

Labcorp Genetics (formerly Invitae), Labcorp
Classification: Uncertain significance for Autosomal recessive severe congenital neutropenia due to CSF3R deficiency. Last evaluated: 2022-08-09. Review status: criteria provided, single submitter. Criteria: Invitae Variant Classification Sherloc (09022015). Collection method: clinical testing. Allele origin: germline.
Comment: This variant has not been reported in the literature in individuals affected with CSF3R-related conditions. Experimental studies and prediction algorithms are not available or were not evaluated, and the functional significance of this variant is currently unknown. In summary, the available evidence is currently insufficient to determine the role of this variant in disease. Therefore, it has been classified as a Variant of Uncertain Significance. This variant is not present in population databases (gnomAD no frequency). This sequence change creates a premature translational stop signal (p.Gln743*) in the CSF3R gene. While this is not anticipated to result in nonsense mediated decay, it is expected to disrupt the last 94 amino acid(s) of the CSF3R protein.

NM_000760.4(CSF3R):c.2227C>T (p.Gln743Ter)

Gene: CSF3R (colony stimulating factor 3 receptor; minus strand). Cytogenetic location: 1p34.3.
Variant type: single nucleotide variant.
Coding change: c.2227C>T on transcript NM_000760.4 (MANE Select); coding-DNA position 2227, C replaced by T.
Protein change: p.Gln743Ter; replaces glutamine 743 with a stop codon.
Molecular consequence: nonsense.
Genome position (GRCh38, 1-based): chr1:36,466,641, G>A on the plus strand (C>T on the coding strand, the complement: CSF3R is on the minus strand). VCF-style: chr1-36466641-G-A. GRCh37 (hg19) VCF-style: chr1-36932242-G-A.
Other names: c.2308C>T, p.Gln770Ter (NM_156039.3); c.2227C>T, p.Gln743Ter (NM_172313.3); short protein forms Q770*, Q743*.
Identifiers: ClinVar variation 2023071 (VCV002023071.4), dbSNP rs2521722884, ClinGen allele CA339413580.